The following is an entry in ClinVar:

ClinVar aggregate classification (germline): Pathogenic. Review status: criteria provided, multiple submitters, no conflicts (2 of 4 stars). 6 submissions from 6 submitters: Pathogenic (4). 2 of the submissions do not count toward it. Last evaluated 2025-11-03.

Conditions:
Autosomal recessive limb-girdle muscular dystrophy type 2E (LGMDR4). Also called: MUSCULAR DYSTROPHY, LIMB-GIRDLE, AUTOSOMAL RECESSIVE 4. Identifiers: Orphanet 119, MedGen C1858593, MONDO:0011423, OMIM 604286. Disease mechanism: Affects gamma-sarcoglycan and also disrupts the integrity of the entire sarcoglycan complex..

Allele frequency attached by ClinVar (database versions not stated): gnomAD exomes below 0.00001 and 0.00001; TOPMed 0.00002; ExAC 0.00001; gnomAD 0.00001.
gnomAD v4.1: 9 of 1,609,854 alleles (0.00056%); highest among the groups gnomAD compares: Admixed American, 0.0017%; no homozygotes.

Submissions (6):

Dasa
Classification: Pathogenic. Last evaluated: 2025-11-03. Review status: criteria provided, single submitter. Criteria: DASA Assertion Criteria. Collection method: clinical testing. Allele origin: germline.
Comment: NM_000232.5(SGCB):c.622-2A>G introduces a premature termination codon predicted to result in loss of normal protein function. Loss-of-function is an established mechanism of disease for this gene. This variant has been observed in affected individuals with related phenotype in a genotype context consistent with recessive disease (PMID: 31671740; PMID: 12566530). This variant has been recurrently observed in individuals with related phenotype (PMID: 31671740; PMID: 12566530). The variant is present at low frequency in population datasets. Based on the available data, this variant is classified as pathogenic.

Labcorp Genetics (formerly Invitae), Labcorp
Classification: Pathogenic for Autosomal recessive limb-girdle muscular dystrophy type 2E. Last evaluated: 2025-09-16. Review status: criteria provided, single submitter. Criteria: Invitae Variant Classification Sherloc (09022015). Collection method: clinical testing. Allele origin: germline.
Comment: This sequence change affects an acceptor splice site in intron 4 of the SGCB gene. It is expected to disrupt RNA splicing. Variants that disrupt the donor or acceptor splice site typically lead to a loss of protein function (PMID: 16199547), and loss-of-function variants in SGCB are known to be pathogenic (PMID: 15938573, 18285821). This variant is present in population databases (rs780596734, gnomAD 0.003%). Disruption of this splice site has been observed in individuals with limb-girdle muscular dystrophy (PMID: 12566530). ClinVar contains an entry for this variant (Variation ID: 370115). Algorithms developed to predict the effect of sequence changes on RNA splicing suggest that this variant may disrupt the consensus splice site. For these reasons, this variant has been classified as Pathogenic.

Fulgent Genetics
Classification: Pathogenic for Autosomal recessive limb-girdle muscular dystrophy type 2E. Last evaluated: 2024-04-27. Review status: criteria provided, single submitter. Criteria: ACMG Guidelines, 2015. Collection method: clinical testing. Allele origin: germline.

Baylor Genetics
Classification: Pathogenic for Autosomal recessive limb-girdle muscular dystrophy type 2E. Last evaluated: 2023-09-08. Review status: criteria provided, single submitter. Criteria: ACMG Guidelines, 2015. Collection method: clinical testing. Allele origin: unknown.

Natera, Inc.
Classification: Pathogenic for Limb-girdle muscular dystrophy type 2E. Last evaluated: 2021-10-05. Review status: no assertion criteria provided. Collection method: clinical testing. Allele origin: germline. Not counted in ClinVar's aggregate classification.

Counsyl
Classification: Likely pathogenic for Autosomal recessive limb-girdle muscular dystrophy type 2E. Last evaluated: 2015-11-24. Review status: no assertion criteria provided. Collection method: clinical testing. Allele origin: unknown. Not counted in ClinVar's aggregate classification.

Literature cited by the submitters: PubMed 31671740 (cited by Dasa); PubMed 12566530 (cited by 3 submitters); PubMed 16199547 (cited by Labcorp Genetics (formerly Invitae), Labcorp); PubMed 15938573 (cited by Labcorp Genetics (formerly Invitae), Labcorp); PubMed 18285821 (cited by Labcorp Genetics (formerly Invitae), Labcorp); PubMed 25525159 (cited by Counsyl).

NM_000232.5(SGCB):c.622-2A>G

Gene: SGCB (sarcoglycan beta; minus strand). Cytogenetic location: 4q12.
Variant type: single nucleotide variant.
Coding change: c.622-2A>G on transcript NM_000232.5 (MANE Select); the canonical splice acceptor site of the intron before coding-DNA position 622, A replaced by G.
Molecular consequence: splice acceptor variant.
Genome position (GRCh38, 1-based): chr4:52,028,101, T>C on the plus strand (A>G on the coding strand, the complement: SGCB is on the minus strand). VCF-style: chr4-52028101-T-C. GRCh37 (hg19) VCF-style: chr4-52894267-T-C.
Identifiers: ClinVar variation 370115 (VCV000370115.19), dbSNP rs780596734, ClinGen allele CA2918334.